The following continues an entry in ClinVar:

NM_000016.6(ACADM):c.985A>G (p.Lys329Glu)

Gene: ACADM. ClinVar aggregate classification (germline): Pathogenic/Likely pathogenic. Pathogenic (50); Likely pathogenic (3).

Submissions 23 to 40 of 59:

GeneDx
Classification: Pathogenic. Last evaluated: 2024-04-04. Review status: criteria provided, single submitter. Criteria: GeneDx Variant Classification Process June 2021. Collection method: clinical testing. Allele origin: germline. Affected: yes.
Comment: Published functional studies demonstrate a damaging effect with decreased thermal stability (PMID: 26947917); Also known as p.(K304E); This variant is associated with the following publications: (PMID: 25763512, 23509891, 25333063, 19224950, 18188679, 35460704, 36591720, 36068006, 37595579, 37257730, 37443404, 26223887, 29317722, 27976856, 18534147, 16763904, 34670123, 34556655, 35026467, 26947917, 20301597, 2393404, 24718418, 12142359, 8104486, 23028790, 7730333, 7652482, 24966162, 25087612, 19780764, 23574375, 22975760, 20333879, 24799540, 24082139, 21228398, 24998633, 20036593, 23842438, 26404458, 27477829, 11763681, 26798524, 26215884, 29555771, 17186412, 29350094, 7904584, 30609409, 30626930, 31028937, 31012112, 25689098, 31836396, 31447099, 31980526, 34426522, 33580884, 31589614, 32853555, 32901917, 33726816, 24623196)

Baylor Genetics
Classification: Pathogenic for Medium-chain acyl-coenzyme A dehydrogenase deficiency. Last evaluated: 2024-03-30. Review status: criteria provided, single submitter. Criteria: ACMG Guidelines, 2015. Collection method: clinical testing. Allele origin: unknown.

Laboratory of Medical Genetics, National & Kapodistrian University of Athens
Classification: Pathogenic for Medium-chain acyl-coenzyme A dehydrogenase deficiency. Last evaluated: 2024-02-01. Review status: criteria provided, single submitter. Criteria: ACMG Guidelines, 2015. Collection method: curation. Allele origin: germline. Affected: no.

Institute of Medical Genetics and Applied Genomics, University Hospital Tübingen
Classification: Pathogenic for Medium-chain acyl-coenzyme A dehydrogenase deficiency. Last evaluated: 2024-01-30. Review status: criteria provided, single submitter. Criteria: ACMG Guidelines, 2015. Collection method: clinical testing. Allele origin: de novo. Inheritance: Autosomal recessive inheritance. Affected: yes.

Genomic Research Center, Shahid Beheshti University of Medical Sciences
Classification: Pathogenic for Medium-chain acyl-coenzyme A dehydrogenase deficiency. Last evaluated: 2023-12-30. Review status: criteria provided, single submitter. Criteria: ACMG Guidelines, 2015. Collection method: clinical testing. Allele origin: unknown. Affected: no.

Pittsburgh Clinical Genomics Laboratory, University of Pittsburgh Medical Center
Classification: Pathogenic for Medium-chain acyl-coenzyme A dehydrogenase deficiency. Last evaluated: 2023-03-17. Review status: criteria provided, single submitter. Criteria: ACMG Guidelines, 2015. Collection method: clinical testing. Allele origin: germline. Inheritance: Autosomal recessive inheritance. Affected: yes.
Comment: This sequence variant is a single nucleotide substitution (A>G) at coding position 985 in the ACADM gene which results in a lysine to glutamic acid amino acid change at residue 329 in the ACADM protein. Due to alterte protein numbering, this variant is sometimes described at protein position 304 in published literature reports. This is a previously reported variant (ClinVar) which has been identified as the most frequent causative variant in individuals with Medium-chain acyl-coenzyme A dehydrogese deficiency (PMID: 2393404, 1363805, 20301597). The variant is present in 941/282786 alleles in the gnomAD population dataset, including 1 homozygote. Multiple functiol assays indicate that the variant protein undergoes improper protein folding and solubilization, leading to a decrease in activity and substrate specificity (PMID: 8104486, 7730333, 19224950, 24966162). Given the available evidence, we consider this variant to be pathogenic. ACMG Criteria: BP2, PP2, PP5

Clinical Genetics Laboratory, Skane University Hospital Lund
Classification: Pathogenic. Last evaluated: 2022-12-06. Review status: criteria provided, single submitter. Criteria: ACMG Guidelines, 2015. Collection method: clinical testing. Allele origin: germline. Affected: yes.

MGZ Medical Genetics Center
Classification: Pathogenic for Medium-chain acyl-coenzyme A dehydrogenase deficiency. Last evaluated: 2022-08-19. Review status: criteria provided, single submitter. Criteria: ACMG Guidelines, 2015. Collection method: clinical testing. Allele origin: germline. Affected: yes. Observed: 6 variant alleles.
Comment: ACMG criteria applied: PS3, PS4, PM3, PP3

Centre of Medical Genetics, University Hospital Muenster
Classification: Pathogenic. Last evaluated: 2022-08-15. Review status: criteria provided, single submitter. Criteria: ACMG Guidelines, 2015. Collection method: clinical testing. Allele origin: unknown. Affected: yes. Observed: 1 variant allele, 1 heterozygote.
Comment: ACMG categories: PS1,PM1,PM3,PP4,PP5

Greenwood Genetic Center Diagnostic Laboratories, Greenwood Genetic Center
Classification: Pathogenic for Medium-chain acyl-coenzyme A dehydrogenase deficiency. Last evaluated: 2022-06-15. Review status: criteria provided, single submitter. Criteria: ACMG Guidelines, 2015. Collection method: clinical testing. Allele origin: germline. Affected: yes.
Comment: PS3, PM3_Very Strong

Dasa
Classification: Pathogenic for Medium-chain acyl-coenzyme A dehydrogenase deficiency. Last evaluated: 2022-02-14. Review status: criteria provided, single submitter. Criteria: ACMG Guidelines, 2015. Collection method: clinical testing. Allele origin: germline. Affected: yes. Observed: 1 variant allele.
Comment: Well-established in vitro or in vivo functional studies supportive of a damaging effect on the gene or gene product (PMID: 11349232; 1361190) - PS3_supporting. The c.985A>G;p.(Lys329Glu) missense variant has been observed in affected individual(s) (PMID: 20301597; 25940036; 25333063; 26223887; 16617240; 11349232; 23574375)PS4. The variant is present at low allele frequencies population databases (rs77931234 - gnomAD 0.03455%; ABraOM 0.000854 frequency) - PM2_supporting. The p.(Lys329Glu) was detected in trans with a pathogenic variant (PMID:25333063; 25940036; 26223887) - PM3_very strong. Pathogenic missense variant in this residue have been reported (Clinvar ID: 226057) - PM5. The variant co-segregated with disease in multiple affected family members (PMID: 26223887; 11346377) - PP1. In summary, the currently available evidence indicates that the variant is pathogenic.

Institute for Clinical Genetics, University Hospital TU Dresden, University Hospital TU Dresden
Classification: Pathogenic. Last evaluated: 2021-11-03. Review status: criteria provided, single submitter. Criteria: ACMG Guidelines, 2015. Collection method: clinical testing. Allele origin: germline.

New York Genome Center
Classification: Pathogenic for Medium-chain acyl-coenzyme A dehydrogenase deficiency. Last evaluated: 2021-07-09. Review status: criteria provided, single submitter. Criteria: NYGC Assertion Criteria 2020. Collection method: clinical testing. Allele origin: inherited. Observed: 1 heterozygote. Study: CSER-NYCKidSeq.

Laboratorio de Genetica e Diagnostico Molecular, Hospital Israelita Albert Einstein
Classification: Pathogenic. Last evaluated: 2021-04-09. Review status: criteria provided, single submitter. Criteria: ACMG Guidelines, 2015. Collection method: clinical testing. Allele origin: germline. Affected: yes.
Comment: ACMG classification criteria: PS3, PS4, PM3

Laboratory for Molecular Medicine, Mass General Brigham Personalized Medicine
Classification: Pathogenic for Medium-chain acyl-coenzyme A dehydrogenase deficiency. Last evaluated: 2021-03-15. Review status: criteria provided, single submitter. Criteria: ACMG Guidelines, 2015. Collection method: clinical testing. Allele origin: germline. Inheritance: Autosomal recessive inheritance.
Comment: The p.Lys329Glu variant in ACADM has been reported in many individuals with medium-chain acyl-coenzyme A dehydrogenase (MCAD) deficiency in the homozygous and compound heterozygous states (Matsubara 1990, PMID: 2393404; Andresen 2001, PMID: 11349232; Sturm 2012, PMID: 23028790). This variant accounts for the majority of cases of MCAD deficiency (PMID: 20301597). Heterozygous carriers of this variant are unaffected by MCAD deficiency, but may have mild elevations in certain acylcarnitine species (Smith 2010, PMID: 20434380). This variant has been identified in 0.6% (800/129138) of European (non-Finnish) chromosomes, including 1 homozygous individual, by gnomAD and has been reported in ClinVar as pathogenic by multiple labs (Variation ID: 3586). This variant has been demonstrated to lead to reduced enzyme activity in carrier individuals and in vitro studies provide evidence that it impacts protein function (Andresen 2001, PMID: 11349232; Sturm 2012, PMID: 23028790). In summary, this variant meets criteria to be classified as pathogenic for autosomal recessive medium-chain acyl-coenzyme A dehydrogenase deficiency. ACMG/AMP Criteria applied: PM3_VeryStrong, PS3.

Centre for Mendelian Genomics, University Medical Centre Ljubljana
Classification: Likely pathogenic for Medium-chain acyl-coenzyme A dehydrogenase deficiency. Last evaluated: 2020-02-03. Review status: criteria provided, single submitter. Criteria: ACMG Guidelines, 2015. Collection method: clinical testing. Allele origin: unknown. Affected: yes.
Comment: This variant was classified as: Likely pathogenic. The following ACMG criteria were applied in classifying this variant: PS1,PS3,PP2,PP3.

Myriad Genetics, Inc.
Classification: Pathogenic for Medium-chain acyl-coenzyme A dehydrogenase deficiency. Last evaluated: 2019-10-18. Review status: criteria provided, single submitter. Criteria: Myriad Women's Health Autosomal Recessive and X-Linked Classification Criteria (2019). Collection method: clinical testing. Allele origin: unknown.
Comment: NM_000016.4(ACADM):c.985A>G(K329E, aka K304E) is classified as pathogenic in the context of medium chain acyl-CoA dehydrogenase deficiency. Sources cited for classification include the following: PMID 16763904, 23028790, 19224950, 15832312, 20434380, 23509891, 16291504, 18241067. Classification of NM_000016.4(ACADM):c.985A>G(K329E, aka K304E) is based on the following criteria: This is a well-established pathogenic variant in the literature that has been observed more frequently in patients with clinical diagnoses than in healthy populations. Please note: this variant was assessed in the context of healthy population screening.

Mendelics
Classification: Pathogenic for Medium-chain acyl-coenzyme A dehydrogenase deficiency. Last evaluated: 2019-05-28. Review status: criteria provided, single submitter. Criteria: Mendelics Assertion Criteria 2017. Collection method: clinical testing. Allele origin: unknown.